The following is an entry in ClinVar:

ClinVar aggregate classification (germline): Conflicting classifications of pathogenicity. Review status: criteria provided, conflicting classifications (1 of 4 stars). 3 submissions from 3 submitters: Likely pathogenic (2); Uncertain significance (1). Last evaluated 2026-01-21.

Conditions:
Cardiovascular phenotype. Identifiers: MedGen CN230736.
MYH7-related disorder. Also called: MYH7-related condition; MYH7-related disease; MYH7-related disorders.
Hypertrophic cardiomyopathy. Also called: HYPERTROPHIC MYOCARDIOPATHY. Identifiers: Orphanet 217569, MedGen C0007194, MeSH D002312, MONDO:0005045, HP:0001639.

Allele frequency attached by ClinVar (database versions not stated): gnomAD exomes below 0.00001.
gnomAD v4.1: 3 of 1,614,234 alleles (0.00019%); highest among the groups gnomAD compares: Non-Finnish European, 0.00025%; no homozygotes.

Submissions (3):

Labcorp Genetics (formerly Invitae), Labcorp
Classification: Likely pathogenic for Hypertrophic cardiomyopathy. Last evaluated: 2026-01-21. Review status: criteria provided, single submitter. Criteria: Invitae Variant Classification Sherloc (09022015). Collection method: clinical testing. Allele origin: germline.
Comment: This sequence change replaces glutamic acid, which is acidic and polar, with glycine, which is neutral and non-polar, at codon 1752 of the MYH7 protein (p.Glu1752Gly). This variant is not present in population databases (gnomAD no frequency). This missense change has been observed in individual(s) with hypertrophic cardiomyopathy (internal data). ClinVar contains an entry for this variant (Variation ID: 181275). Invitae Evidence Modeling of protein sequence and biophysical properties (such as structural, functional, and spatial information, amino acid conservation, physicochemical variation, residue mobility, and thermodynamic stability) indicates that this missense variant is expected to disrupt MYH7 protein function with a positive predictive value of 95%. This variant disrupts the p.Glu1752 amino acid residue in MYH7. Other variant(s) that disrupt this residue have been determined to be pathogenic (PMID: 25182012; internal data). This suggests that this residue is clinically significant, and that variants that disrupt this residue are likely to be disease-causing. In summary, the currently available evidence indicates that the variant is pathogenic, but additional data are needed to prove that conclusively. Therefore, this variant has been classified as Likely Pathogenic.

Ambry Genetics
Classification: Uncertain significance for Cardiovascular phenotype. Last evaluated: 2025-10-07. Review status: criteria provided, single submitter. Criteria: Ambry Variant Classification Scheme 2023. Collection method: clinical testing. Allele origin: germline.
Comment: The p.E1752G variant (also known as c.5255A>G), located in coding exon 34 of the MYH7 gene, results from an A to G substitution at nucleotide position 5255. The glutamic acid at codon 1752 is replaced by glycine, an amino acid with similar properties. This variant was reported in individual(s) with features consistent with cardiomyopathy (Sadasivan C et al. ESC Heart Fail, 2025 Jun;12:1942-1955).This amino acid position is highly conserved in available vertebrate species. In addition, this alteration is predicted to be deleterious by in silico analysis. Based on the available evidence, the clinical significance of this variant remains unclear.

Blueprint Genetics
Classification: Likely pathogenic for MYH7-related disorders. Last evaluated: 2021-03-29. Review status: criteria provided, single submitter. Criteria: ACMG Guidelines, 2015. Collection method: clinical testing. Allele origin: germline. Affected: yes. Observed: 3 variant alleles.

Literature cited by the submitters: PubMed 25182012 (cited by Labcorp Genetics (formerly Invitae), Labcorp and Ambry Genetics); PubMed 21750094 (cited by Ambry Genetics); PubMed 39740200 (cited by Ambry Genetics).

NM_000257.4(MYH7):c.5255A>G (p.Glu1752Gly)

Genes: MYH7 (myosin heavy chain 7; minus strand), LOC126861897 (BRD4-independent group 4 enhancer GRCh37_chr14:23884455-23885654; plus strand). Cytogenetic location: 14q11.2.
Variant type: single nucleotide variant.
Coding change: c.5255A>G on transcript NM_000257.4 (MANE Select); coding-DNA position 5255, A replaced by G.
Protein change: p.Glu1752Gly; replaces glutamic acid 1752 with glycine.
Molecular consequence: missense variant.
Genome position (GRCh38, 1-based): chr14:23,415,409, T>C on the plus strand (A>G on the coding strand, the complement: MYH7 is on the minus strand). VCF-style: chr14-23415409-T-C. GRCh37 (hg19) VCF-style: chr14-23884618-T-C.
Other names: short protein forms E1752G.
Identifiers: ClinVar variation 181275 (VCV000181275.13), dbSNP rs730880813, ClinGen allele CA015818.
Genomic context (GRCh38, chr14:23,415,409, plus strand): 5'-TCTGGATCGGGTCGGTGGAGTGGGGGACTTACATCCGTGATGGCCTTCTTGGCCTTCTCC[T>C]CAGCATTCCTGCACTCCTGCACTGCCTCCTCCACTTCAGTCTGGAGCTGGGACAGGTCAG-3'
Protein context (NP_000248.2, residues 1742-1762): EEAVQECRNA[Glu1752Gly]EKAKKAITDA